The following is an entry in ClinVar:

ClinVar aggregate classification (germline): Uncertain significance. Review status: criteria provided, multiple submitters, no conflicts (2 of 4 stars). 2 submissions from 2 submitters: Uncertain significance (2). Last evaluated 2025-01-25.

Conditions:
Hereditary breast ovarian cancer syndrome. Also called: Hereditary breast and/or ovarian cancer syndrome; Hereditary breast and ovarian cancer syndrome; Hereditary breast and ovarian cancer; Hereditary breast and ovarian cancer syndrome (HBOC); Breast and ovarian cancer; BRCA1- and BRCA2-Associated Hereditary Breast and Ovarian Cancer. Identifiers: Orphanet 145, MedGen C0677776, MeSH D061325, MONDO:0003582. Disease mechanism: loss of function.
Hereditary cancer-predisposing syndrome. Also called: Hereditary neoplastic syndrome; Neoplastic Syndromes, Hereditary; Tumor predisposition; Hereditary Cancer Syndrome. Identifiers: Orphanet 140162, MedGen C0027672, MeSH D009386, MONDO:0015356.

Submissions (2):

Ambry Genetics
Classification: Uncertain significance for Hereditary cancer-predisposing syndrome. Last evaluated: 2025-01-25. Review status: criteria provided, single submitter. Criteria: Ambry Variant Classification Scheme 2023. Collection method: clinical testing. Allele origin: germline.
Comment: The p.P2735L variant (also known as c.8204C>T), located in coding exon 17 of the BRCA2 gene, results from a C to T substitution at nucleotide position 8204. The proline at codon 2735 is replaced by leucine, an amino acid with similar properties. This amino acid position is conserved. In addition, the in silico prediction for this alteration is inconclusive. Based on the available evidence, the clinical significance of this variant remains unclear.

Labcorp Genetics (formerly Invitae), Labcorp
Classification: Uncertain significance for Hereditary breast ovarian cancer syndrome. Last evaluated: 2022-06-13. Review status: criteria provided, single submitter. Criteria: Invitae Variant Classification Sherloc (09022015). Collection method: clinical testing. Allele origin: germline.
Comment: This sequence change replaces proline, which is neutral and non-polar, with leucine, which is neutral and non-polar, at codon 2735 of the BRCA2 protein (p.Pro2735Leu). This variant is not present in population databases (gnomAD no frequency). This variant has not been reported in the literature in individuals affected with BRCA2-related conditions. ClinVar contains an entry for this variant (Variation ID: 940535). Advanced modeling of protein sequence and biophysical properties (such as structural, functional, and spatial information, amino acid conservation, physicochemical variation, residue mobility, and thermodynamic stability) performed at Invitae indicates that this missense variant is not expected to disrupt BRCA2 protein function. In summary, the available evidence is currently insufficient to determine the role of this variant in disease. Therefore, it has been classified as a Variant of Uncertain Significance.

NM_000059.4(BRCA2):c.8204C>T (p.Pro2735Leu)

Gene: BRCA2 (BRCA2 DNA repair associated; plus strand). Cytogenetic location: 13q13.1.
Variant type: single nucleotide variant.
Coding change: c.8204C>T on transcript NM_000059.4 (MANE Select); coding-DNA position 8204, C replaced by T.
Protein change: p.Pro2735Leu; replaces proline 2735 with leucine.
Molecular consequence: missense variant.
Genome position (GRCh38, 1-based): chr13:32,363,406, C>T. VCF-style: chr13-32363406-C-T. GRCh37 (hg19) VCF-style: chr13-32937543-C-T.
Other names: short protein forms P2735L.
Identifiers: ClinVar variation 940535 (VCV000940535.11), dbSNP rs730881564, ClinGen allele CA387749752.
Genomic context (GRCh38, chr13:32,363,406, plus strand): 5'-AAGTGGCCATTATTGAACTTACAGATGGGTGGTATGCTGTTAAGGCCCAGTTAGATCCTC[C>T]CCTCTTAGCTGTCTTAAAGAATGGCAGACTGACAGTTGGTCAGAAGATTATTCTTCATGG-3'
Protein context (NP_000050.3, residues 2725-2745): WYAVKAQLDP[Pro2735Leu]LLAVLKNGRL